The following is an entry in ClinVar:

ClinVar aggregate classification (germline): Uncertain significance (1 of 4 stars; one submission).

Allele frequency attached by ClinVar (database versions not stated): gnomAD exomes below 0.00001; TOPMed below 0.00001.
gnomAD v4.1: 6 of 1,613,802 alleles (0.00037%); highest among the groups gnomAD compares: Non-Finnish European, 0.00051%; no homozygotes.

Submission:

GeneDx
Classification: Uncertain significance. Last evaluated: 2022-03-11. Review status: criteria provided, single submitter. Criteria: GeneDx Variant Classification Process June 2021. Collection method: clinical testing. Allele origin: germline. Affected: yes.
Comment: Not observed at significant frequency in large population cohorts (gnomAD); In silico analysis supports that this missense variant has a deleterious effect on protein structure/function; Has not been previously published as pathogenic or benign to our knowledge

NM_006366.3(CAP2):c.1091T>C (p.Ile364Thr)

Gene: CAP2 (cyclase associated actin cytoskeleton regulatory protein 2; plus strand). Cytogenetic location: 6p22.3.
Variant type: single nucleotide variant.
Coding change: c.1091T>C on transcript NM_006366.3 (MANE Select); coding-DNA position 1091, T replaced by C.
Protein change: p.Ile364Thr; replaces isoleucine 364 with threonine.
Molecular consequence: missense variant.
Genome position (GRCh38, 1-based): chr6:17,542,925, T>C. VCF-style: chr6-17542925-T-C. GRCh37 (hg19) VCF-style: chr6-17543156-T-C.
Other names: c.755T>C, p.Ile252Thr (NM_001363533.2); c.1013T>C, p.Ile338Thr (NM_001363534.2); short protein forms I252T, I338T, I364T.
Identifiers: ClinVar variation 1707067 (VCV001707067.2), dbSNP rs1762941382, ClinGen allele CA362809530.